The following is an entry in ClinVar:

NM_001035.3(RYR2):c.4626G>A (p.Ala1542=)

Gene: RYR2 (ryanodine receptor 2; plus strand). Cytogenetic location: 1q43.
Variant type: single nucleotide variant.
Coding change: c.4626G>A on transcript NM_001035.3 (MANE Select); coding-DNA position 4626, G replaced by A.
Protein change: p.Ala1542=; no amino-acid change (alanine 1542 retained).
Molecular consequence: synonymous variant.
Genome position (GRCh38, 1-based): chr1:237,602,054, G>A. VCF-style: chr1-237602054-G-A. GRCh37 (hg19) VCF-style: chr1-237765354-G-A.
Identifiers: ClinVar variation 1163780 (VCV001163780.19), dbSNP rs1272771676, ClinGen allele CA423820752.

ClinVar aggregate classification (germline): Conflicting classifications of pathogenicity. Review status: criteria provided, conflicting classifications (1 of 4 stars). 5 submissions from 5 submitters: Uncertain significance (1); Likely benign (4). Last evaluated 2025-12-01.

Conditions:
Cardiovascular phenotype. Identifiers: MedGen CN230736.
Catecholaminergic polymorphic ventricular tachycardia (CVPT). Also called: Catecholamine-induced polymorphic ventricular tachycardia. Identifiers: Orphanet 3286, MedGen C5574922, MONDO:0017990.
Cardiomyopathy (CMYO). Also called: Cardiomyopathies. Identifiers: Orphanet 167848, MedGen C0878544, MONDO:0004994, HP:0001638. Inheritance: Various modes of inheritance.
Catecholaminergic polymorphic ventricular tachycardia 1. Also called: VENTRICULAR TACHYCARDIA, CATECHOLAMINERGIC POLYMORPHIC, 1, WITH OR WITHOUT ATRIAL DYSFUNCTION AND/OR DILATED CARDIOMYOPATHY; VENTRICULAR TACHYCARDIA, STRESS-INDUCED POLYMORPHIC 1; RYR2-Related Catecholaminergic Polymorphic Ventricular Tachycardia. Identifiers: Orphanet 3286, MedGen C1631597, MONDO:0011484, OMIM 604772.

Allele frequency attached by ClinVar (database versions not stated): gnomAD 0.00001; gnomAD exomes 0.00003; TOPMed 0.00005.
gnomAD v4.1: 16 of 1,612,360 alleles (0.00099%); highest among the groups gnomAD compares: South Asian, 0.0077%; no homozygotes.

Submissions (5):

Labcorp Genetics (formerly Invitae), Labcorp
Classification: Likely benign for Catecholaminergic polymorphic ventricular tachycardia 1. Last evaluated: 2025-12-01. Review status: criteria provided, single submitter. Criteria: Invitae Variant Classification Sherloc (09022015). Collection method: clinical testing. Allele origin: germline.

All of Us Research Program, National Institutes of Health
Classification: Likely benign for Catecholaminergic polymorphic ventricular tachycardia. Last evaluated: 2024-05-14. Review status: criteria provided, single submitter. Criteria: ACMG Guidelines, 2015. Collection method: clinical testing. Allele origin: germline. Inheritance: Autosomal dominant inheritance. Observed: 3 variant alleles, 3 heterozygotes.
Comment: This study involves interpretation of variants in research participants for the purpose of population health screening. Participant phenotype was not available at the time of variant classification. Additional details can be found in publication PMID: 35346344, PMCID: PMC8962531

Color Diagnostics, LLC DBA Color Health
Classification: Likely benign for Cardiomyopathy. Last evaluated: 2024-05-07. Review status: criteria provided, single submitter. Criteria: ACMG Guidelines, 2015. Collection method: clinical testing. Allele origin: germline.

Mayo Clinic Laboratories, Mayo Clinic
Classification: Uncertain significance. Last evaluated: 2020-01-10. Review status: criteria provided, single submitter. Criteria: ACMG Guidelines, 2015. Collection method: clinical testing. Allele origin: germline. Observed: 1 variant allele.

Ambry Genetics
Classification: Likely benign for Cardiovascular phenotype. Last evaluated: 2019-10-15. Review status: criteria provided, single submitter. Criteria: Ambry Variant Classification Scheme 2023. Collection method: clinical testing. Allele origin: germline.